The following is an entry in ClinVar:

NM_000053.4(ATP7B):c.1518A>G (p.Ile506Met)

Gene: ATP7B (ATPase copper transporting beta; minus strand). Cytogenetic location: 13q14.3.
Variant type: single nucleotide variant.
Coding change: c.1518A>G on transcript NM_000053.4 (MANE Select); coding-DNA position 1518, A replaced by G.
Protein change: p.Ile506Met; replaces isoleucine 506 with methionine.
Molecular consequence: missense variant.
Genome position (GRCh38, 1-based): chr13:51,970,517, T>C on the plus strand (A>G on the coding strand, the complement: ATP7B is on the minus strand). VCF-style: chr13-51970517-T-C. GRCh37 (hg19) VCF-style: chr13-52544653-T-C.
Other names: c.1518A>G, p.Ile506Met (NM_001330578.2, NM_001330579.2, NM_001406511.1 and 28 more transcripts); c.1422A>G, p.Ile474Met (NM_001406517.1, NM_001406544.1, NM_001406518.1 and 3 more transcripts); c.1089A>G, p.Ile363Met (NM_001406539.1); c.1185A>G, p.Ile395Met (NM_001243182.2); short protein forms I474M, I506M, I363M, I395M.
Identifiers: ClinVar variation 2141391 (VCV002141391.1), dbSNP rs2547792626, ClinGen allele CA388035245.

ClinVar aggregate classification (germline): Uncertain significance (1 of 4 stars; one submission).

Conditions:
Wilson disease (WND). Also called: Wilson's disease. Identifiers: Orphanet 905, MedGen C0019202, MONDO:0010200, OMIM 277900. Disease mechanism: loss of function.

Allele frequency attached by ClinVar (database versions not stated): gnomAD exomes below 0.00001.
gnomAD v4.1: 5 of 1,614,176 alleles (0.00031%); highest among the groups gnomAD compares: Non-Finnish European, 0.00025%; no homozygotes.

Submission:

Labcorp Genetics (formerly Invitae), Labcorp
Classification: Uncertain significance for Wilson disease. Last evaluated: 2022-06-05. Review status: criteria provided, single submitter. Criteria: Invitae Variant Classification Sherloc (09022015). Collection method: clinical testing. Allele origin: germline.
Comment: This sequence change replaces isoleucine, which is neutral and non-polar, with methionine, which is neutral and non-polar, at codon 506 of the ATP7B protein (p.Ile506Met). This variant is not present in population databases (gnomAD no frequency). This variant has not been reported in the literature in individuals affected with ATP7B-related conditions. Advanced modeling of protein sequence and biophysical properties (such as structural, functional, and spatial information, amino acid conservation, physicochemical variation, residue mobility, and thermodynamic stability) performed at Invitae indicates that this missense variant is expected to disrupt ATP7B protein function. In summary, the available evidence is currently insufficient to determine the role of this variant in disease. Therefore, it has been classified as a Variant of Uncertain Significance.